The following is an entry in ClinVar:

ClinVar aggregate classification (germline): Uncertain significance (1 of 4 stars; one submission).

Submission:

GeneDx
Classification: Uncertain significance. Last evaluated: 2019-07-18. Review status: criteria provided, single submitter. Criteria: GeneDx Variant Classification Process June 2021. Collection method: clinical testing. Allele origin: germline. Affected: yes.
Comment: Not observed in large population cohorts (Lek et al., 2016); In silico analysis, which includes protein predictors and evolutionary conservation, supports a deleterious effect; Has not been previously published as pathogenic or benign to our knowledge

NM_001376.5(DYNC1H1):c.2675C>T (p.Ser892Phe)

Gene: DYNC1H1 (dynein cytoplasmic 1 heavy chain 1; plus strand). Cytogenetic location: 14q32.31.
Variant type: single nucleotide variant.
Coding change: c.2675C>T on transcript NM_001376.5 (MANE Select); coding-DNA position 2675, C replaced by T.
Protein change: p.Ser892Phe; replaces serine 892 with phenylalanine.
Molecular consequence: missense variant.
Genome position (GRCh38, 1-based): chr14:101,987,589, C>T. VCF-style: chr14-101987589-C-T. GRCh37 (hg19) VCF-style: chr14-102453926-C-T.
Other names: short protein forms S892F.
Identifiers: ClinVar variation 1304848 (VCV001304848.2), dbSNP rs2141275834, ClinGen allele CA391027670.